The following is an entry in ClinVar:

ClinVar aggregate classification (germline): Benign (1 of 4 stars; one submission).

Conditions:
Melanoma-pancreatic cancer syndrome. Identifiers: Orphanet 404560, MedGen C1838547, MONDO:0011713, OMIM 606719. Disease mechanism: loss of function.

gnomAD v4.1: 1 of 1,608,846 alleles (0.000062%); highest among the groups gnomAD compares: African/African-American, 0.0013%; no homozygotes.

Submission:

Myriad Genetics, Inc.
Classification: Benign for Melanoma-pancreatic cancer syndrome. Last evaluated: 2025-08-18. Review status: criteria provided, single submitter. Criteria: Myriad Autosomal Dominant, Autosomal Recessive and X-Linked Classification Criteria (2023). Collection method: clinical testing. Allele origin: unknown.
Comment: This variant is considered benign. This variant is intronic and is not expected to impact mRNA splicing.

NM_000077.5(CDKN2A):c.458-46T>A

Gene: CDKN2A (cyclin dependent kinase inhibitor 2A; minus strand). Cytogenetic location: 9p21.3.
Variant type: single nucleotide variant.
Coding change: c.458-46T>A on transcript NM_000077.5 (MANE Select); 46 bases into the intron before coding-DNA position 458, T replaced by A.
Molecular consequence: intron variant.
Genome position (GRCh38, 1-based): chr9:21,968,288, A>T on the plus strand (T>A on the coding strand, the complement: CDKN2A is on the minus strand). VCF-style: chr9-21968288-A-T. GRCh37 (hg19) VCF-style: chr9-21968287-A-T.
Other names: c.305-46T>A (NM_001363763.2); c.*102-46T>A (NM_058195.4); c.*151-46T>A (NM_001195132.2); c.*381-46T>A (NM_058197.5).
Identifiers: ClinVar variation 4294158 (VCV004294158.1).